The following is an entry in ClinVar:

ClinVar aggregate classification (germline): Conflicting classifications of pathogenicity. Review status: criteria provided, conflicting classifications (1 of 4 stars). 4 submissions from 4 submitters: Uncertain significance (3); Likely benign (1). Last evaluated 2026-07-30.

Conditions:
Hereditary breast ovarian cancer syndrome. Also called: Hereditary breast and ovarian cancer; Hereditary breast and ovarian cancer syndrome (HBOC); Hereditary breast and/or ovarian cancer syndrome; Hereditary breast and ovarian cancer syndrome; Breast and ovarian cancer; BRCA1- and BRCA2-Associated Hereditary Breast and Ovarian Cancer. Identifiers: Orphanet 145, MedGen C0677776, MeSH D061325, MONDO:0003582. Disease mechanism: loss of function.
Hereditary cancer-predisposing syndrome. Also called: Tumor predisposition; Hereditary neoplastic syndrome; Neoplastic Syndromes, Hereditary; Hereditary Cancer Syndrome. Identifiers: Orphanet 140162, MedGen C0027672, MeSH D009386, MONDO:0015356.

gnomAD v4.1: 1 of 1,613,842 alleles (0.000062%); highest among the groups gnomAD compares: Non-Finnish European, 0.000085%; no homozygotes.

Submissions (4):

Ambry Genetics
Classification: Uncertain significance for Hereditary cancer-predisposing syndrome. Last evaluated: 2026-07-30. Review status: criteria provided, single submitter. Criteria: Ambry Variant Classification Scheme 2023. Collection method: clinical testing. Allele origin: germline.
Comment: The p.K862R variant (also known as c.2585A>G), located in coding exon 9 of the BRCA1 gene, results from an A to G substitution at nucleotide position 2585. The lysine at codon 862 is replaced by arginine, an amino acid with highly similar properties. This amino acid position is not well conserved in available vertebrate species. In addition, the in silico prediction for this alteration is inconclusive. Based on the available evidence, the clinical significance of this variant remains unclear.

Labcorp Genetics (formerly Invitae), Labcorp
Classification: Uncertain significance for Hereditary breast ovarian cancer syndrome. Last evaluated: 2025-08-04. Review status: criteria provided, single submitter. Criteria: Invitae Variant Classification Sherloc (09022015). Collection method: clinical testing. Allele origin: germline.
Comment: This sequence change replaces lysine, which is basic and polar, with arginine, which is basic and polar, at codon 862 of the BRCA1 protein (p.Lys862Arg). This variant is not present in population databases (gnomAD no frequency). This variant has not been reported in the literature in individuals affected with BRCA1-related conditions. ClinVar contains an entry for this variant (Variation ID: 845804). Invitae Evidence Modeling of protein sequence and biophysical properties (such as structural, functional, and spatial information, amino acid conservation, physicochemical variation, residue mobility, and thermodynamic stability) indicates that this missense variant is not expected to disrupt BRCA1 protein function with a negative predictive value of 80%. In summary, the available evidence is currently insufficient to determine the role of this variant in disease. Therefore, it has been classified as a Variant of Uncertain Significance.

University of Washington Department of Laboratory Medicine, University of Washington
Classification: Likely benign for Hereditary cancer-predisposing syndrome. Last evaluated: 2023-03-23. Review status: criteria provided, single submitter. Criteria: Dines et al. (Genet Med. 2020). Collection method: curation. Allele origin: germline.
Comment: Missense variant in a coldspot region where missense variants are very unlikely to be pathogenic (PMID:31911673).

BRCA1 coldspot (exon 11 using historical exon numbering). Reclassification based on statistical prior probability

Color Diagnostics, LLC DBA Color Health
Classification: Uncertain significance for Hereditary cancer-predisposing syndrome. Last evaluated: 2021-09-22. Review status: criteria provided, single submitter. Criteria: ACMG Guidelines, 2015. Collection method: clinical testing. Allele origin: germline.
Comment: This missense variant replaces lysine with arginine at codon 862 of the BRCA1 protein. Computational prediction is inconclusive regarding the impact of this variant on protein structure and function (internally defined REVEL score threshold 0.5 < inconclusive < 0.7, PMID: 27666373). To our knowledge, functional studies have not been reported for this variant. This variant has not been reported in individuals affected with hereditary cancer in the literature. This variant has not been identified in the general population by the Genome Aggregation Database (gnomAD). The available evidence is insufficient to determine the role of this variant in disease conclusively. Therefore, this variant is classified as a Variant of Uncertain Significance.

NM_007294.4(BRCA1):c.2585A>G (p.Lys862Arg)

Gene: BRCA1 (BRCA1 DNA repair associated; minus strand). Cytogenetic location: 17q21.31.
Variant type: single nucleotide variant.
Coding change: c.2585A>G on transcript NM_007294.4 (MANE Select); coding-DNA position 2585, A replaced by G.
Protein change: p.Lys862Arg; replaces lysine 862 with arginine.
Molecular consequence: missense variant. On other transcripts: intron variant (137).
Genome position (GRCh38, 1-based): chr17:43,092,946, T>C on the plus strand (A>G on the coding strand, the complement: BRCA1 is on the minus strand). VCF-style: chr17-43092946-T-C. GRCh37 (hg19) VCF-style: chr17-41244963-T-C.
Other names: c.2372A>G, p.Lys791Arg (NM_001407571.1, NM_001407853.1, NM_001407894.1 and 9 more transcripts); c.2585A>G, p.Lys862Arg (NM_001407581.1, NM_001407582.1, NM_001407583.1 and 30 more transcripts); c.2582A>G, p.Lys861Arg (NM_001407587.1, NM_001407590.1, NM_001407591.1 and 22 more transcripts); c.2576A>G, p.Lys859Arg (NM_001407646.1, NM_001407647.1); c.2462A>G, p.Lys821Arg (NM_001407648.1, NM_001407664.1, NM_001407665.1 and 19 more transcripts); c.2504A>G, p.Lys835Arg (NM_001407661.1, NM_001407662.1, NM_001407659.1 and 1 more transcripts); c.2507A>G, p.Lys836Arg (NM_001407663.1, NM_001407653.1, NM_001407654.1 and 4 more transcripts); c.2459A>G, p.Lys820Arg (NM_001407685.1, NM_001407686.1, NM_001407687.1 and 11 more transcripts); and 41 more; short protein forms K862R, K815R, K735R, K773R, K774R, K791R, K794R, K814R.
Identifiers: ClinVar variation 845804 (VCV000845804.16), dbSNP rs2053734181, ClinGen allele CA10596820.